The following is an entry in ClinVar:

NM_032444.4(SLX4):c.2013+225_3147delinsCC

Gene: SLX4 (SLX4 structure-specific endonuclease subunit; minus strand). Cytogenetic location: 16p13.3.
Variant type: Indel.
Coding change: c.2013+225_3147delinsCC on transcript NM_032444.4 (MANE Select); 225 bases into the intron after coding-DNA position 2013 through coding-DNA position 3147, the reference bases replaced by CC.
Molecular consequence: splice acceptor variant, splice donor variant.
Genome position (GRCh38, 1-based): chr16:3,590,491-3,595,380, 4,890 bases replaced. GRCh37 (hg19): chr16:3,640,492-3,645,381.
Identifiers: ClinVar variation 933225 (VCV000933225.2), ClinGen allele CA1139664449.

ClinVar aggregate classification (germline): Pathogenic. Review status: no assertion criteria provided (0 of 4 stars). 2 submissions from 2 submitters: Pathogenic (2). Last evaluated 2020-07-10.

Conditions:
Fanconi anemia complementation group P. Also called: SLX4-Related Fanconi Anemia. Identifiers: Orphanet 84, MedGen C3469542, MONDO:0013499, OMIM 613951.

Submissions (2):

Leiden Open Variation Database
Classification: Pathogenic for Fanconi anemia complementation group P. Last evaluated: 2020-07-10. Review status: no assertion criteria provided. Collection method: curation. Allele origin: germline. Affected: yes.
Comment: Curator: Arleen D. Auerbach. Submitter to LOVD: Arleen D. Auerbach.

OMIM
Classification: Pathogenic for FANCONI ANEMIA, COMPLEMENTATION GROUP P. Last evaluated: 2011-02-01. Review status: no assertion criteria provided. Collection method: literature only. Allele origin: germline.

Literature cited by the submitters: PubMed 21240275 (cited by Leiden Open Variation Database and OMIM).